The following is an entry in ClinVar:

NM_004360.5(CDH1):c.1528dup (p.Ala510fs)

Gene: CDH1 (cadherin 1; plus strand). Cytogenetic location: 16q22.1.
Variant type: Duplication.
Coding change: c.1528dup on transcript NM_004360.5 (MANE Select); coding-DNA position 1528, one base duplicated (G; older notation c.1528dupG).
Protein change: p.Ala510fs; shifts the reading frame from alanine 510.
Molecular consequence: frameshift variant. On other transcripts: 5 prime UTR variant (2).
Genome position (GRCh38, 1-based): chr16:68,815,722, G duplicated. VCF-style (leftmost placement, unchanged base first): chr16-68815721-T-TG. GRCh37 (hg19) VCF-style: chr16-68849624-T-TG.
Other names: c.1345dup, p.Ala449fs (NM_001317184.2); c.-21dup (NM_001317185.2); c.-292dup (NM_001317186.2); c.1528dupG (NM_004360.3); short protein forms A510fs, A449fs.
Identifiers: ClinVar variation 5034017 (VCV005034017.1).
Genomic context (GRCh38, chr16:68,815,721, plus strand): 5'-TGAAAAGAGAGTGGAAGTGTCCGAGGACTTTGGCGTGGGCCAGGAAATCACATCCTACAC[T>TG]GCCCAGGAGCCAGACACATTTATGGAACAGAAAATAACGTAAGTGTGAGGATTTTTCAAC-3'

ClinVar aggregate classification (germline): Pathogenic (1 of 4 stars; one submission).

Conditions:
Hereditary cancer-predisposing syndrome. Also called: Neoplastic Syndromes, Hereditary; Tumor predisposition; Hereditary neoplastic syndrome; Hereditary Cancer Syndrome. Identifiers: Orphanet 140162, MedGen C0027672, MeSH D009386, MONDO:0015356.

Submission:

Ambry Genetics
Classification: Pathogenic for Hereditary cancer-predisposing syndrome. Last evaluated: 2026-08-19. Review status: criteria provided, single submitter. Criteria: Ambry Variant Classification Scheme 2023. Collection method: clinical testing. Allele origin: germline.
Comment: The c.1528dupG pathogenic mutation, located in coding exon 10 of the CDH1 gene, results from a duplication of G at nucleotide position 1528, causing a translational frameshift with a predicted alternate stop codon (p.A510Gfs*27). This variant is considered to be rare based on population cohorts in the Genome Aggregation Database (gnomAD). This alteration is expected to result in loss of function by premature protein truncation or nonsense-mediated mRNA decay. As such, this alteration is interpreted as a disease-causing mutation.